The following is an entry in ClinVar:

NM_001130438.3(SPTAN1):c.3250A>G (p.Lys1084Glu)

Gene: SPTAN1 (spectrin alpha, non-erythrocytic 1; plus strand). Cytogenetic location: 9q34.11.
Variant type: single nucleotide variant.
Coding change: c.3250A>G on transcript NM_001130438.3 (MANE Select); coding-DNA position 3250, A replaced by G.
Protein change: p.Lys1084Glu; replaces lysine 1084 with glutamic acid.
Molecular consequence: missense variant.
Genome position (GRCh38, 1-based): chr9:128,594,209, A>G. VCF-style: chr9-128594209-A-G. GRCh37 (hg19) VCF-style: chr9-131356488-A-G.
Other names: c.3190A>G, p.Lys1064Glu (NM_001195532.2, NM_001363765.2, NM_001375314.2); c.3250A>G, p.Lys1084Glu (NM_001363759.2, NM_001375310.1, NM_001375311.2 and 2 more transcripts); c.3286A>G, p.Lys1096Glu (NM_001375312.2, NM_001375318.1); short protein forms K1096E, K1064E, K1084E.
Identifiers: ClinVar variation 3635910 (VCV003635910.2).

ClinVar aggregate classification (germline): Uncertain significance (1 of 4 stars; one submission).

Conditions:
Early-infantile DEE. Also called: Early infantile epileptic encephalopathy; Ohtahara syndrome; Early infantile epileptic encephalopathy with suppression bursts. Identifiers: Orphanet 1934, MedGen C0393706, MONDO:0800491.

gnomAD v4.1: 3 of 1,614,172 alleles (0.00019%); highest among the groups gnomAD compares: Middle Eastern, 0.016%; no homozygotes.

Submission:

Labcorp Genetics (formerly Invitae), Labcorp
Classification: Uncertain significance for Early-infantile DEE. Last evaluated: 2024-06-26. Review status: criteria provided, single submitter. Criteria: Invitae Variant Classification Sherloc (09022015). Collection method: clinical testing. Allele origin: germline.
Comment: This sequence change replaces lysine, which is basic and polar, with glutamic acid, which is acidic and polar, at codon 1084 of the SPTAN1 protein (p.Lys1084Glu). This variant is not present in population databases (gnomAD no frequency). This variant has not been reported in the literature in individuals affected with SPTAN1-related conditions. Advanced modeling of protein sequence and biophysical properties (such as structural, functional, and spatial information, amino acid conservation, physicochemical variation, residue mobility, and thermodynamic stability) has been performed at Invitae for this missense variant, however the output from this modeling did not meet the statistical confidence thresholds required to predict the impact of this variant on SPTAN1 protein function. In summary, the available evidence is currently insufficient to determine the role of this variant in disease. Therefore, it has been classified as a Variant of Uncertain Significance.